The following is an entry in ClinVar:

NM_052867.4(NALCN):c.1497A>G (p.Ile499Met)

Gene: NALCN (sodium leak channel, non-selective; minus strand). Cytogenetic location: 13q33.1.
Variant type: single nucleotide variant.
Coding change: c.1497A>G on transcript NM_052867.4 (MANE Select); coding-DNA position 1497, A replaced by G.
Protein change: p.Ile499Met; replaces isoleucine 499 with methionine.
Molecular consequence: missense variant.
Genome position (GRCh38, 1-based): chr13:101,229,522, T>C on the plus strand (A>G on the coding strand, the complement: NALCN is on the minus strand). VCF-style: chr13-101229522-T-C. GRCh37 (hg19) VCF-style: chr13-101881873-T-C.
Other names: c.1497A>G, p.Ile499Met (NM_001350748.2, NM_001350749.2); c.1410A>G, p.Ile470Met (NM_001350750.2, NM_001350751.2); short protein forms I470M, I499M.
Identifiers: ClinVar variation 2501999 (VCV002501999.2), dbSNP rs2502984916, ClinGen allele CA388704474.

ClinVar aggregate classification (germline): Likely pathogenic. Review status: criteria provided, multiple submitters, no conflicts (2 of 4 stars). 2 submissions from 2 submitters: Likely pathogenic (2). Last evaluated 2025-12-18.

Conditions:
Congenital contractures of the limbs and face, hypotonia, and developmental delay (CLIFAHDD). Identifiers: Orphanet 562528, MedGen C4225398, MONDO:0014556, OMIM 616266.

Submissions (2):

Equipe Genetique des Anomalies du Developpement, Université de Bourgogne
Classification: Likely pathogenic for Congenital contractures of the limbs and face, hypotonia, and developmental delay. Last evaluated: 2025-12-18. Review status: criteria provided, single submitter. Criteria: ACMG Guidelines, 2015. Collection method: clinical testing. Allele origin: de novo. Affected: yes.

GeneDx
Classification: Likely pathogenic. Last evaluated: 2022-10-18. Review status: criteria provided, single submitter. Criteria: GeneDx Variant Classification Process June 2021. Collection method: clinical testing. Allele origin: germline. Affected: yes.
Comment: Not observed at significant frequency in large population cohorts (gnomAD); In silico analysis supports that this missense variant has a deleterious effect on protein structure/function; Has not been previously published as pathogenic or benign to our knowledge